The following is an entry in ClinVar:

NM_020975.6(RET):c.3342T>G (p.Ser1114Arg)

Gene: RET (ret proto-oncogene; plus strand). Cytogenetic location: 10q11.21.
Variant type: single nucleotide variant.
Coding change: c.3342T>G on transcript NM_020975.6 (MANE Select); coding-DNA position 3342, T replaced by G.
Protein change: p.Ser1114Arg; replaces serine 1114 with arginine.
Molecular consequence: missense variant.
Genome position (GRCh38, 1-based): chr10:43,128,266, T>G. VCF-style: chr10-43128266-T-G. GRCh37 (hg19) VCF-style: chr10-43623714-T-G.
Other names: short protein forms S1114R.
Identifiers: ClinVar variation 1390173 (VCV001390173.3), dbSNP rs2133050305, ClinGen allele CA376559402.

ClinVar aggregate classification (germline): Uncertain significance (1 of 4 stars; one submission).

Conditions:
Multiple endocrine neoplasia, type 2 (MEN2). Identifiers: Orphanet 653, MedGen C4048306, MONDO:0019003. Disease mechanism: gain of function.

Submission:

Labcorp Genetics (formerly Invitae), Labcorp
Classification: Uncertain significance for Multiple endocrine neoplasia, type 2. Last evaluated: 2021-10-29. Review status: criteria provided, single submitter. Criteria: Invitae Variant Classification Sherloc (09022015). Collection method: clinical testing. Allele origin: germline.
Comment: This sequence change replaces serine, which is neutral and polar, with arginine, which is basic and polar, at codon 1114 of the RET protein (p.Ser1114Arg). This variant is not present in population databases (gnomAD no frequency). This variant has not been reported in the literature in individuals affected with RET-related conditions. Algorithms developed to predict the effect of missense changes on protein structure and function are either unavailable or do not agree on the potential impact of this missense change (SIFT: "Deleterious"; PolyPhen-2: "Probably Damaging"; Align-GVGD: "Class C0"). Algorithms developed to predict the effect of sequence changes on RNA splicing suggest that this variant may create or strengthen a splice site. In summary, the available evidence is currently insufficient to determine the role of this variant in disease. Therefore, it has been classified as a Variant of Uncertain Significance.